The following is an entry in ClinVar:

NM_032043.3(BRIP1):c.3418G>A (p.Glu1140Lys)

Gene: BRIP1 (BRCA1 interacting DNA helicase 1; minus strand). Cytogenetic location: 17q23.2.
Variant type: single nucleotide variant.
Coding change: c.3418G>A on transcript NM_032043.3 (MANE Select); coding-DNA position 3418, G replaced by A.
Protein change: p.Glu1140Lys; replaces glutamic acid 1140 with lysine.
Molecular consequence: missense variant.
Genome position (GRCh38, 1-based): chr17:61,683,628, C>T on the plus strand (G>A on the coding strand, the complement: BRIP1 is on the minus strand). VCF-style: chr17-61683628-C-T. GRCh37 (hg19) VCF-style: chr17-59760989-C-T.
Other names: short protein forms E1140K.
Identifiers: ClinVar variation 1731229 (VCV001731229.4), dbSNP rs2144076794, ClinGen allele CA400478774.

ClinVar aggregate classification (germline): Uncertain significance. Review status: criteria provided, multiple submitters, no conflicts (2 of 4 stars). 2 submissions from 2 submitters: Uncertain significance (2). Last evaluated 2024-03-31.

Conditions:
Hereditary cancer-predisposing syndrome. Also called: Neoplastic Syndromes, Hereditary; Tumor predisposition; Hereditary Cancer Syndrome; Hereditary neoplastic syndrome. Identifiers: Orphanet 140162, MedGen C0027672, MeSH D009386, MONDO:0015356.
Familial cancer of breast. Also called: BREAST CANCER, FAMILIAL; Hereditary breast cancer; hereditary breast carcinoma. Identifiers: Orphanet 227535, MedGen C0346153, MONDO:0016419, OMIM 114480. Disease mechanism: loss of function.

gnomAD v4.1: 1 of 1,612,458 alleles (0.000062%); no homozygotes.

Submissions (2):

Ambry Genetics
Classification: Uncertain significance for Hereditary cancer-predisposing syndrome. Last evaluated: 2024-03-31. Review status: criteria provided, single submitter. Criteria: Ambry Variant Classification Scheme 2023. Collection method: clinical testing. Allele origin: germline.
Comment: The p.E1140K variant (also known as c.3418G>A), located in coding exon 19 of the BRIP1 gene, results from a G to A substitution at nucleotide position 3418. The glutamic acid at codon 1140 is replaced by lysine, an amino acid with similar properties. This amino acid position is conserved. In addition, this alteration is predicted to be tolerated by in silico analysis. Since supporting evidence is limited at this time, the clinical significance of this alteration remains unclear.

Department of Pathology and Laboratory Medicine, Sinai Health System
Classification: Uncertain significance for Familial cancer of breast. Last evaluated: 2022-07-04. Review status: criteria provided, single submitter. Criteria: ACMG Guidelines, 2015. Collection method: clinical testing. Allele origin: germline. Affected: yes.